The following is an entry in ClinVar:

NM_001386393.1(PANK2):c.816G>A (p.Pro272=)

Gene: PANK2 (pantothenate kinase 2; plus strand). Cytogenetic location: 20p13.
Variant type: single nucleotide variant.
Coding change: c.816G>A on transcript NM_001386393.1 (MANE Select); coding-DNA position 816, G replaced by A.
Protein change: p.Pro272=; no amino-acid change (proline 272 retained).
Molecular consequence: synonymous variant. On other transcripts: 5 prime UTR variant (1), non-coding transcript variant (1).
Genome position (GRCh38, 1-based): chr20:3,910,741, G>A. VCF-style: chr20-3910741-G-A. GRCh37 (hg19) VCF-style: chr20-3891388-G-A.
Other names: p.Pro382=; c.273G>A, p.Pro91= (NM_001324191.2, NM_024960.6, NM_153640.4); c.-163G>A (NM_001324193.2); c.1146G>A, p.Pro382= (NM_153638.4); c.1146G>A (NM_153638.3).
Identifiers: ClinVar variation 1081928 (VCV001081928.13), dbSNP rs772119893, ClinGen allele CA9750775.

ClinVar aggregate classification (germline): Likely benign. Review status: criteria provided, multiple submitters, no conflicts (2 of 4 stars). 4 submissions from 4 submitters: Likely benign (4). Last evaluated 2026-05-01.

Conditions:
Pigmentary pallidal degeneration (NBIA1). Also called: Pantothenate Kinase-Associated Neurodegeneration; Neuroaxonal dystrophy, late infantile; Hallervorden-Spatz disease; Neurodegeneration with brain iron accumulation 1; PKAN NEUROAXONAL DYSTROPHY, JUVENILE-ONSET; HARP SYNDROME. Identifiers: Orphanet 157850, MedGen C0018523, MONDO:0009319, OMIM 234200.

Allele frequency attached by ClinVar (database versions not stated): gnomAD exomes 0.00001 and 0.00002; ExAC 0.00003; gnomAD 0.00003 and 0.00004; TOPMed 0.00003.
gnomAD v4.1: 23 of 1,613,990 alleles (0.0014%); highest among the groups gnomAD compares: Admixed American, 0.005%; no homozygotes.

Submissions (4):

CeGaT Center for Human Genetics Tuebingen
Classification: Likely benign. Last evaluated: 2026-05-01. Review status: criteria provided, single submitter. Criteria: CeGaT Center For Human Genetics Tuebingen Variant Classification Criteria Version 2. Collection method: clinical testing. Allele origin: germline. Affected: yes. Observed: 1 variant allele.
Comment: PANK2: BP4, BP7

Labcorp Genetics (formerly Invitae), Labcorp
Classification: Likely benign for Pigmentary pallidal degeneration. Last evaluated: 2026-01-12. Review status: criteria provided, single submitter. Criteria: Invitae Variant Classification Sherloc (09022015). Collection method: clinical testing. Allele origin: germline.

Mayo Clinic Laboratories, Mayo Clinic
Classification: Likely benign. Last evaluated: 2025-07-10. Review status: criteria provided, single submitter. Criteria: ACMG Guidelines, 2015. Collection method: clinical testing. Allele origin: germline. Observed: 2 variant alleles.
Comment: BP4, BP7

Blueprint Genetics
Classification: Likely benign. Last evaluated: 2021-01-13. Review status: criteria provided, single submitter. Criteria: ACMG Guidelines, 2015. Collection method: clinical testing. Allele origin: germline.